The following is an entry in ClinVar:

ClinVar aggregate classification (germline): Uncertain significance (1 of 4 stars; one submission).

Submission:

Labcorp Genetics (formerly Invitae), Labcorp
Classification: Uncertain significance. Last evaluated: 2021-08-08. Review status: criteria provided, single submitter. Criteria: Invitae Variant Classification Sherloc (09022015). Collection method: clinical testing. Allele origin: germline.
Comment: This sequence change replaces serine with arginine at codon 339 of the VCAN protein (p.Ser339Arg). The serine residue is highly conserved and there is a moderate physicochemical difference between serine and arginine. This variant is not present in population databases (ExAC no frequency). This variant has not been reported in the literature in individuals affected with VCAN-related conditions. Algorithms developed to predict the effect of missense changes on protein structure and function are either unavailable or do not agree on the potential impact of this missense change (SIFT: "Deleterious"; PolyPhen-2: "Probably Damaging"; Align-GVGD: "Class C0"). In summary, the available evidence is currently insufficient to determine the role of this variant in disease. Therefore, it has been classified as a Variant of Uncertain Significance.

NM_004385.5(VCAN):c.1017C>A (p.Ser339Arg)

Gene: VCAN (versican; plus strand). Cytogenetic location: 5q14.3.
Variant type: single nucleotide variant.
Coding change: c.1017C>A on transcript NM_004385.5 (MANE Select); coding-DNA position 1017, C replaced by A.
Protein change: p.Ser339Arg; replaces serine 339 with arginine.
Molecular consequence: missense variant.
Genome position (GRCh38, 1-based): chr5:83,512,371, C>A. VCF-style: chr5-83512371-C-A. GRCh37 (hg19) VCF-style: chr5-82808190-C-A.
Other names: c.1017C>A, p.Ser339Arg (NM_001126336.3, NM_001164097.2, NM_001164098.2); short protein forms S339R.
Identifiers: ClinVar variation 1373462 (VCV001373462.6), dbSNP rs924914022, ClinGen allele CA360298393.